The following is an entry in ClinVar:

NM_001267550.2(TTN):c.38791+1G>C

Gene: TTN (titin; minus strand). Cytogenetic location: 2q31.2.
Variant type: single nucleotide variant.
Coding change: c.38791+1G>C on transcript NM_001267550.2 (MANE Select); the canonical splice donor site of the intron after coding-DNA position 38791, G replaced by C.
Molecular consequence: splice donor variant. On other transcripts: intron variant (5).
Genome position (GRCh38, 1-based): chr2:178,653,237, C>G on the plus strand (G>C on the coding strand, the complement: TTN is on the minus strand). VCF-style: chr2-178653237-C-G. GRCh37 (hg19) VCF-style: chr2-179517964-C-G.
Other names: c.13283-10920G>C (NM_003319.4); c.13859-10920G>C (NM_133437.4); c.13658-10920G>C (NM_133432.3); c.31742-696G>C (NM_133378.4); c.34523-696G>C (NM_001256850.1).
Identifiers: ClinVar variation 2951453 (VCV002951453.3), dbSNP rs759043336, ClinGen allele CA349467049.

ClinVar aggregate classification (germline): Uncertain significance (1 of 4 stars; one submission).

Conditions:
Dilated cardiomyopathy 1G (CMD1G). Identifiers: Orphanet 154, MedGen C1858763, MONDO:0011400, OMIM 604145.
Autosomal recessive limb-girdle muscular dystrophy type 2J (LGMDR10). Also called: Limb-girdle muscular dystrophy, type 2J; MUSCULAR DYSTROPHY, LIMB-GIRDLE, AUTOSOMAL RECESSIVE 10. Identifiers: Orphanet 140922, MedGen C1837342, MONDO:0012127, OMIM 608807.

Submission:

Labcorp Genetics (formerly Invitae), Labcorp
Classification: Uncertain significance for Dilated cardiomyopathy 1G; Autosomal recessive limb-girdle muscular dystrophy type 2J. Last evaluated: 2023-09-11. Review status: criteria provided, single submitter. Criteria: Invitae Variant Classification Sherloc (09022015). Collection method: clinical testing. Allele origin: germline.
Comment: This sequence change affects a donor splice site in intron 198 of the TTN gene. It is expected to disrupt RNA splicing and likely results in a truncated or disrupted TTN protein. This variant is not present in population databases (gnomAD no frequency). This variant is located in the I band of TTN (PMID: 25589632). Variants in this region may be clinically relevant, but have not been definitively shown to cause cardiomyopathy or neuromuscular disease (PMID: 27493940, 32778822). In summary, the available evidence is currently insufficient to determine the role of this variant in disease. Therefore, it has been classified as a Variant of Uncertain Significance. Algorithms developed to predict the effect of sequence changes on RNA splicing suggest that this variant may disrupt the consensus splice site. This variant has not been reported in the literature in individuals affected with TTN-related conditions.

Literature cited by the submitters: PubMed 25589632; PubMed 27493940; PubMed 32778822.